The following is an entry in ClinVar:

ClinVar aggregate classification (germline): Uncertain significance (1 of 4 stars; one submission).

Conditions:
USP9X-related neurodevelopmental disorder.

Submissions (2):

Illumina Laboratory Services, Illumina
Classification: Uncertain significance for USP9X-related neurodevelopmental disorder. Last evaluated: 2020-03-18. Review status: criteria provided, single submitter. Criteria: ICSLVariantClassificationCriteria RUGD 01 April 2020. Collection method: clinical testing. Allele origin: unknown.
Comment: The USP9X c.1160C>T (p.Ala387Val) variant is a missense variant. A literature search was performed for the gene, cDNA change, and amino acid change. No publications were found based on this search. The variant is not found in the Genome Aggregation Database despite good sequence coverage, so the variant is presumed rare. Based on the limited evidence, the p.Ala387Val variant is classified as a variant of unknown significance for USP9X-related neurodevelopmental disorder.

Dr. Peter K. Rogan Lab, Western University
No classification provided (evidence only). Condition: Thyroid cancer, nonmedullary, 1. Review status: no classification provided. Collection method: in vitro. Allele origin: not applicable. Functional consequence: retained intron. Not counted in ClinVar's aggregate classification.

NM_001039591.3(USP9X):c.1160C>T (p.Ala387Val)

Gene: USP9X (ubiquitin specific peptidase 9 X-linked; plus strand). Cytogenetic location: Xp11.4.
Variant type: single nucleotide variant.
Coding change: c.1160C>T on transcript NM_001039591.3 (MANE Select); coding-DNA position 1160, C replaced by T.
Protein change: p.Ala387Val; replaces alanine 387 with valine.
Molecular consequence: missense variant.
Genome position (GRCh38, 1-based): chrX:41,141,430, C>T. VCF-style: chrX-41141430-C-T. GRCh37 (hg19) VCF-style: chrX-41000683-C-T.
Other names: NC_000023.10:g.41000683C>T; c.1160C>T, p.Ala387Val (NM_001039590.3); short protein forms A387V.
Identifiers: ClinVar variation 973310 (VCV000973310.5), dbSNP rs2062421520, ClinGen allele CA412768458.
Genomic context (GRCh38, chrX:41,141,430, plus strand): 5'-ACTATACTCATCGACATGGTAATCCTGAGGAGGAAGAGTGGCTCACAGCTGAACGAATGG[C>T]AGTGAGTCTTTCAGTTCTTCTTCATAGGAATAAGAATCTACTTAAGACAAGAAATTAGAA-3'
Protein context (NP_001034680.2, residues 377-397): EEEWLTAERM[Ala387Val]EWIQQNNILS